The following is an entry in ClinVar:

NM_000465.4(BARD1):c.1298A>G (p.His433Arg)

Gene: BARD1 (BRCA1 associated RING domain 1; minus strand). Cytogenetic location: 2q35.
Variant type: single nucleotide variant.
Coding change: c.1298A>G on transcript NM_000465.4 (MANE Select); coding-DNA position 1298, A replaced by G.
Protein change: p.His433Arg; replaces histidine 433 with arginine.
Molecular consequence: missense variant. On other transcripts: non-coding transcript variant (2), intron variant (3).
Genome position (GRCh38, 1-based): chr2:214,780,576, T>C on the plus strand (A>G on the coding strand, the complement: BARD1 is on the minus strand). VCF-style: chr2-214780576-T-C. GRCh37 (hg19) VCF-style: chr2-215645300-T-C.
Other names: c.1241A>G, p.His414Arg (NM_001282543.2); c.159-28021A>G (NM_001282548.2); c.215+16485A>G (NM_001282545.2); c.364+11721A>G (NM_001282549.2); short protein forms H433R, H414R.
Identifiers: ClinVar variation 141733 (VCV000141733.25), dbSNP rs587781970, ClinGen allele CA166256.
Genomic context (GRCh38, chr2:214,780,576, plus strand): 5'-AGTTGGCCTCATTCTGAGATGGTATTTCAGAGTAAGCATCCTACCTTAATAGAAGCAATA[T>C]GGAGCAAAGTCTCTCCTCTATGATTTCTTTTCACAGCCATATTGGGCAACAGCTTCATTG-3'
Protein context (NP_000456.2, residues 423-443): KRNHRGETLL[His433Arg]IASIKGDIPS

ClinVar aggregate classification (germline): Uncertain significance. Review status: criteria provided, multiple submitters, no conflicts (2 of 4 stars). 6 submissions from 6 submitters: Uncertain significance (6). Last evaluated 2025-12-31.

Conditions:
Hereditary cancer-predisposing syndrome. Also called: Neoplastic Syndromes, Hereditary; Tumor predisposition; Hereditary Cancer Syndrome; Hereditary neoplastic syndrome. Identifiers: Orphanet 140162, MedGen C0027672, MeSH D009386, MONDO:0015356.
Familial cancer of breast. Also called: BREAST CANCER, FAMILIAL; Hereditary breast cancer; hereditary breast carcinoma. Identifiers: Orphanet 227535, MedGen C0346153, MONDO:0016419, OMIM 114480. Disease mechanism: loss of function.

Allele frequency attached by ClinVar (database versions not stated): gnomAD exomes below 0.00001 and 0.00003; gnomAD 0.00001; ExAC 0.00002; TOPMed 0.00002.
gnomAD v4.1: 5 of 1,613,754 alleles (0.00031%); highest among the groups gnomAD compares: East Asian, 0.0067%; no homozygotes.

Submissions (6):

Labcorp Genetics (formerly Invitae), Labcorp
Classification: Uncertain significance for Familial cancer of breast. Last evaluated: 2025-12-31. Review status: criteria provided, single submitter. Criteria: Invitae Variant Classification Sherloc (09022015). Collection method: clinical testing. Allele origin: germline.
Comment: This sequence change replaces histidine, which is basic and polar, with arginine, which is basic and polar, at codon 433 of the BARD1 protein (p.His433Arg). This variant is present in population databases (rs587781970, gnomAD 0.05%). This missense change has been observed in individual(s) with breast cancer (PMID: 29263802, 32091409). ClinVar contains an entry for this variant (Variation ID: 141733). An algorithm developed to predict the effect of missense changes on protein structure and function (PolyPhen-2) suggests that this variant is likely to be disruptive. In summary, the available evidence is currently insufficient to determine the role of this variant in disease. Therefore, it has been classified as a Variant of Uncertain Significance.

Ambry Genetics
Classification: Uncertain significance for Hereditary cancer-predisposing syndrome. Last evaluated: 2025-05-05. Review status: criteria provided, single submitter. Criteria: Ambry Variant Classification Scheme 2023. Collection method: clinical testing. Allele origin: germline.
Comment: The p.H433R variant (also known as c.1298A>G), located in coding exon 4 of the BARD1 gene, results from an A to G substitution at nucleotide position 1298. The histidine at codon 433 is replaced by arginine, an amino acid with highly similar properties. This amino acid position is highly conserved in available vertebrate species. In addition, this alteration is predicted to be deleterious by in silico analysis. Based on the available evidence, the clinical significance of this variant remains unclear.

Quest Diagnostics Nichols Institute San Juan Capistrano
Classification: Uncertain significance. Last evaluated: 2024-12-06. Review status: criteria provided, single submitter. Criteria: Quest Diagnostics criteria. Collection method: clinical testing. Allele origin: unknown.
Comment: The BARD1 c.1298A>G (p.His433Arg) variant has been reported in the published literature in individuals with breast cancer (PMID: 32091409 (2020), 29263802 (2016), 33471991 (2021), see also LOVD) and reportedly healthy individuals (PMID: 33471991 (2021), see also LOVD). The frequency of this variant in the general population (Genome Aggregation Database) is higher than would generally be expected for pathogenic variants in this gene. Analysis of this variant using bioinformatics tools for the prediction of the effect of amino acid changes on protein structure and function yielded predictions that this variant is damaging. Based on the available information, we are unable to determine the clinical significance of this variant.

Baylor Genetics
Classification: Uncertain significance for Familial cancer of breast. Last evaluated: 2024-03-13. Review status: criteria provided, single submitter. Criteria: ACMG Guidelines, 2015. Collection method: clinical testing. Allele origin: unknown.

Color Diagnostics, LLC DBA Color Health
Classification: Uncertain significance for Hereditary cancer-predisposing syndrome. Last evaluated: 2022-12-06. Review status: criteria provided, single submitter. Criteria: ACMG Guidelines, 2015. Collection method: clinical testing. Allele origin: germline.
Comment: This missense variant replaces histidine with arginine at codon 433 of the BARD1 protein. Computational prediction suggests that this variant may have deleterious impact on protein structure and function (internally defined REVEL score threshold >= 0.7, PMID: 27666373). To our knowledge, functional studies have not been reported for this variant. This variant has been reported in individuals affected with ovarian cancer (PMID: 26315354) and breast cancer (PMID: 29263802). This variant has also been identified in 10/282188 chromosomes in the general population by the Genome Aggregation Database (gnomAD). The available evidence is insufficient to determine the role of this variant in disease conclusively. Therefore, this variant is classified as a Variant of Uncertain Significance.

GeneDx
Classification: Uncertain significance. Last evaluated: 2022-06-25. Review status: criteria provided, single submitter. Criteria: GeneDx Variant Classification Process June 2021. Collection method: clinical testing. Allele origin: germline. Affected: yes.
Comment: In silico analysis supports that this missense variant has a deleterious effect on protein structure/function; Observed in an individual with a personal and family history of breast cancer (Wong et al., 2016); This variant is associated with the following publications: (PMID: 18480049, 29263802)

Literature cited by the submitters: PubMed 29263802 (cited by 4 submitters); PubMed 32091409 (cited by Labcorp Genetics (formerly Invitae), Labcorp and Quest Diagnostics Nichols Institute San Juan Capistrano); PubMed 26315354 (cited by Ambry Genetics and Color Diagnostics, LLC DBA Color Health); PubMed 33471991 (cited by Quest Diagnostics Nichols Institute San Juan Capistrano); PubMed 38153744 (cited by Quest Diagnostics Nichols Institute San Juan Capistrano); PubMed 32832836 (cited by Quest Diagnostics Nichols Institute San Juan Capistrano).